The following is an entry in ClinVar:

ClinVar aggregate classification (germline): Uncertain significance (1 of 4 stars; one submission).

Submission:

Labcorp Genetics (formerly Invitae), Labcorp
Classification: Uncertain significance. Last evaluated: 2022-02-25. Review status: criteria provided, single submitter. Criteria: Invitae Variant Classification Sherloc (09022015). Collection method: clinical testing. Allele origin: germline.
Comment: In summary, the available evidence is currently insufficient to determine the role of this variant in disease. Therefore, it has been classified as a Variant of Uncertain Significance. Algorithms developed to predict the effect of missense changes on protein structure and function are either unavailable or do not agree on the potential impact of this missense change (SIFT: "Deleterious"; PolyPhen-2: "Probably Damaging"; Align-GVGD: "Class C0"). This variant has not been reported in the literature in individuals affected with ATP1A1-related conditions. This variant is not present in population databases (gnomAD no frequency). This sequence change replaces aspartic acid, which is acidic and polar, with alanine, which is neutral and non-polar, at codon 933 of the ATP1A1 protein (p.Asp933Ala).

NM_000701.8(ATP1A1):c.2798A>C (p.Asp933Ala)

Genes: ATP1A1 (ATPase Na+/K+ transporting subunit alpha 1; plus strand), ATP1A1-AS1 (ATP1A1 antisense RNA 1; minus strand). Cytogenetic location: 1p13.1.
Variant type: single nucleotide variant.
Coding change: c.2798A>C on transcript NM_000701.8 (MANE Select); coding-DNA position 2798, A replaced by C.
Protein change: p.Asp933Ala; replaces aspartic acid 933 with alanine.
Molecular consequence: missense variant.
Genome position (GRCh38, 1-based): chr1:116,401,209, A>C. VCF-style: chr1-116401209-A-C. GRCh37 (hg19) VCF-style: chr1-116943831-A-C.
Other names: c.2798A>C, p.Asp933Ala (NM_001160233.2); c.2705A>C, p.Asp902Ala (NM_001160234.2); short protein forms D902A, D933A.
Identifiers: ClinVar variation 2103609 (VCV002103609.4), dbSNP rs2525893277, ClinGen allele CA341775682.